The following is an entry in ClinVar:

ClinVar aggregate classification (germline): Uncertain significance. Review status: criteria provided, multiple submitters, no conflicts (2 of 4 stars). 4 submissions from 4 submitters: Uncertain significance (4). Last evaluated 2024-12-07.

Conditions:
Inborn genetic diseases. Identifiers: MedGen C0950123, MeSH D030342.
Hereditary spastic paraplegia. Also called: Familial spastic paraparesis. Identifiers: Orphanet 685, MedGen C0037773, MONDO:0019064. Disease mechanism: loss of function.
Hereditary spastic paraplegia 50 (SPG50). Also called: Spastic paraplegia 50, autosomal recessive. Identifiers: Orphanet 280763, MedGen C2752008, MONDO:0013048, OMIM 612936.

Allele frequency attached by ClinVar (database versions not stated): ESP Exome Variant Server 0.00008; 1000 Genomes Project 30x 0.00016.

Submissions (4):

Ambry Genetics
Classification: Uncertain significance for Inborn genetic diseases. Last evaluated: 2024-12-07. Review status: criteria provided, single submitter. Criteria: Ambry Variant Classification Scheme 2023. Collection method: clinical testing. Allele origin: germline.

Labcorp Genetics (formerly Invitae), Labcorp
Classification: Uncertain significance for Hereditary spastic paraplegia 50. Last evaluated: 2024-10-28. Review status: criteria provided, single submitter. Criteria: Invitae Variant Classification Sherloc (09022015). Collection method: clinical testing. Allele origin: germline.
Comment: This sequence change replaces arginine, which is basic and polar, with glutamine, which is neutral and polar, at codon 422 of the AP4M1 protein (p.Arg422Gln). This variant is present in population databases (rs150135687, gnomAD 0.02%). This variant has not been reported in the literature in individuals affected with AP4M1-related conditions. ClinVar contains an entry for this variant (Variation ID: 1344081). Invitae Evidence Modeling of protein sequence and biophysical properties (such as structural, functional, and spatial information, amino acid conservation, physicochemical variation, residue mobility, and thermodynamic stability) has been performed for this missense variant. However, the output from this modeling did not meet the statistical confidence thresholds required to predict the impact of this variant on AP4M1 protein function. In summary, the available evidence is currently insufficient to determine the role of this variant in disease. Therefore, it has been classified as a Variant of Uncertain Significance.

GeneDx
Classification: Uncertain significance. Last evaluated: 2024-04-11. Review status: criteria provided, single submitter. Criteria: GeneDx Variant Classification Process June 2021. Collection method: clinical testing. Allele origin: germline. Affected: yes.
Comment: In silico analysis supports that this missense variant has a deleterious effect on protein structure/function; Has not been previously published as pathogenic or benign to our knowledge

Genome Diagnostics Laboratory, The Hospital for Sick Children
Classification: Uncertain significance for Hereditary spastic paraplegia. Last evaluated: 2018-08-01. Review status: criteria provided, single submitter. Criteria: ACMG Guidelines, 2015. Collection method: clinical testing. Allele origin: germline. Affected: yes.

NM_004722.4(AP4M1):c.1265G>A (p.Arg422Gln)

Gene: AP4M1 (adaptor related protein complex 4 subunit mu 1; plus strand). Cytogenetic location: 7q22.1.
Variant type: single nucleotide variant.
Coding change: c.1265G>A on transcript NM_004722.4 (MANE Select); coding-DNA position 1265, G replaced by A.
Protein change: p.Arg422Gln; replaces arginine 422 with glutamine.
Molecular consequence: missense variant.
Genome position (GRCh38, 1-based): chr7:100,106,785, G>A. VCF-style: chr7-100106785-G-A. GRCh37 (hg19) VCF-style: chr7-99704408-G-A.
Other names: c.1286G>A, p.Arg429Gln (NM_001363671.2); short protein forms R422Q, R429Q.
Identifiers: ClinVar variation 1344081 (VCV001344081.11), dbSNP rs150135687, ClinGen allele CA4375052.